The following is an entry in ClinVar:

NM_015932.6(POMP):c.50C>T (p.Thr17Ile)

Gene: POMP (proteasome maturation protein; plus strand). Cytogenetic location: 13q12.3.
Variant type: single nucleotide variant.
Coding change: c.50C>T on transcript NM_015932.6 (MANE Select); coding-DNA position 50, C replaced by T.
Protein change: p.Thr17Ile; replaces threonine 17 with isoleucine.
Molecular consequence: missense variant.
Genome position (GRCh38, 1-based): chr13:28,662,456, C>T. VCF-style: chr13-28662456-C-T. GRCh37 (hg19) VCF-style: chr13-29236593-C-T.
Other names: short protein forms T17I.
Identifiers: ClinVar variation 1465765 (VCV001465765.6), dbSNP rs1408135642, ClinGen allele CA387802147.

ClinVar aggregate classification (germline): Uncertain significance (1 of 4 stars; one submission).

Allele frequency attached by ClinVar (database versions not stated): gnomAD exomes below 0.00001; gnomAD 0.00001; TOPMed 0.00001.
gnomAD v4.1: 19 of 1,613,848 alleles (0.0012%); highest among the groups gnomAD compares: Non-Finnish European, 0.0016%; no homozygotes.

Submission:

Labcorp Genetics (formerly Invitae), Labcorp
Classification: Uncertain significance. Last evaluated: 2025-06-01. Review status: criteria provided, single submitter. Criteria: Invitae Variant Classification Sherloc (09022015). Collection method: clinical testing. Allele origin: germline.
Comment: This sequence change replaces threonine, which is neutral and polar, with isoleucine, which is neutral and non-polar, at codon 17 of the POMP protein (p.Thr17Ile). This variant is present in population databases (no rsID available, gnomAD 0.0009%). This variant has not been reported in the literature in individuals affected with POMP-related conditions. ClinVar contains an entry for this variant (Variation ID: 1465765). An algorithm developed to predict the effect of missense changes on protein structure and function (PolyPhen-2) suggests that this variant is likely to be tolerated. In summary, the available evidence is currently insufficient to determine the role of this variant in disease. Therefore, it has been classified as a Variant of Uncertain Significance.